The following is an entry in ClinVar:

NM_000059.4(BRCA2):c.4360C>T (p.Pro1454Ser)

Gene: BRCA2 (BRCA2 DNA repair associated; plus strand). Cytogenetic location: 13q13.1.
Variant type: single nucleotide variant.
Coding change: c.4360C>T on transcript NM_000059.4 (MANE Select); coding-DNA position 4360, C replaced by T.
Protein change: p.Pro1454Ser; replaces proline 1454 with serine.
Molecular consequence: missense variant. On other transcripts: non-coding transcript variant (1), intron variant (2).
Genome position (GRCh38, 1-based): chr13:32,338,715, C>T. VCF-style: chr13-32338715-C-T. GRCh37 (hg19) VCF-style: chr13-32912852-C-T.
Other names: c.4360C>T, p.Pro1454Ser (NM_001406719.1, NM_001406720.1); c.1909+5328C>T (NM_001406721.1); c.425-5843C>T (NM_001406722.1); short protein forms P1454S.
Identifiers: ClinVar variation 2964428 (VCV002964428.3), dbSNP rs2072502347, ClinGen allele CA387780968.
Genomic context (GRCh38, chr13:32,338,715, plus strand): 5'-AAAAATATTAGTGTCGCCAAAGAGTCATTTAATAAAATTGTAAATTTCTTTGATCAGAAA[C>T]CAGAAGAATTGCATAACTTTTCCTTAAATTCTGAATTACATTCTGACATAAGAAAGAACA-3'
Protein context (NP_000050.3, residues 1444-1464): NKIVNFFDQK[Pro1454Ser]EELHNFSLNS

ClinVar aggregate classification (germline): Uncertain significance (1 of 4 stars; one submission).

Conditions:
Hereditary breast ovarian cancer syndrome. Also called: Hereditary breast and ovarian cancer; Hereditary breast and ovarian cancer syndrome (HBOC); Breast and ovarian cancer; Hereditary breast and ovarian cancer syndrome; Hereditary breast and/or ovarian cancer syndrome; BRCA1- and BRCA2-Associated Hereditary Breast and Ovarian Cancer. Identifiers: Orphanet 145, MedGen C0677776, MeSH D061325, MONDO:0003582. Disease mechanism: loss of function.

Submission:

Labcorp Genetics (formerly Invitae), Labcorp
Classification: Uncertain significance for Hereditary breast ovarian cancer syndrome. Last evaluated: 2023-11-24. Review status: criteria provided, single submitter. Criteria: Invitae Variant Classification Sherloc (09022015). Collection method: clinical testing. Allele origin: germline.
Comment: This sequence change replaces proline, which is neutral and non-polar, with serine, which is neutral and polar, at codon 1454 of the BRCA2 protein (p.Pro1454Ser). This variant is not present in population databases (gnomAD no frequency). This variant has not been reported in the literature in individuals affected with BRCA2-related conditions. Advanced modeling of protein sequence and biophysical properties (such as structural, functional, and spatial information, amino acid conservation, physicochemical variation, residue mobility, and thermodynamic stability) performed at Invitae indicates that this missense variant is not expected to disrupt BRCA2 protein function with a negative predictive value of 95%. In summary, the available evidence is currently insufficient to determine the role of this variant in disease. Therefore, it has been classified as a Variant of Uncertain Significance.